The following is an entry in ClinVar:

ClinVar aggregate classification (germline): Likely benign (1 of 4 stars; one submission).

Allele frequency attached by ClinVar (database versions not stated): 1000 Genomes Project 0.00160; 1000 Genomes Project 30x 0.00187; gnomAD 0.00333; ExAC 0.00337; TOPMed 0.00379; gnomAD exomes 0.00462; ESP Exome Variant Server 0.00492.
gnomAD v4.1: 7,335 of 1,614,138 alleles (0.45%); highest among the groups gnomAD compares: Middle Eastern, 0.63%; 26 homozygotes.

Submission:

CeGaT Center for Human Genetics Tuebingen
Classification: Likely benign. Last evaluated: 2024-02-01. Review status: criteria provided, single submitter. Criteria: CeGaT Center For Human Genetics Tuebingen Variant Classification Criteria Version 2. Collection method: clinical testing. Allele origin: germline. Affected: yes. Observed: 2 variant alleles.
Comment: CRYBG1: BP4, BP7, BS2

NM_001371242.2(CRYBG1):c.2748T>C (p.Ser916=)

Genes: CRYBG1 (crystallin beta-gamma domain containing 1; plus strand), LOC126859757 (CDK7 strongly-dependent group 2 enhancer GRCh37_chr6:106967140-106968339; plus strand). Cytogenetic location: 6q21.
Variant type: single nucleotide variant.
Coding change: c.2748T>C on transcript NM_001371242.2 (MANE Select); coding-DNA position 2748, T replaced by C.
Protein change: p.Ser916=; no amino-acid change (serine 916 retained).
Molecular consequence: synonymous variant.
Genome position (GRCh38, 1-based): chr6:106,519,956, T>C. VCF-style: chr6-106519956-T-C. GRCh37 (hg19) VCF-style: chr6-106967831-T-C.
Other names: c.1524T>C, p.Ser508= (NM_001624.4).
Identifiers: ClinVar variation 2656805 (VCV002656805.24), dbSNP rs144881884, ClinGen allele CA3943212.